The following is an entry in ClinVar:

NM_025074.7(FRAS1):c.3975+1G>C

Gene: FRAS1 (Fraser extracellular matrix complex subunit 1; plus strand). Cytogenetic location: 4q21.21.
Variant type: single nucleotide variant.
Coding change: c.3975+1G>C on transcript NM_025074.7 (MANE Select); the canonical splice donor site of the intron after coding-DNA position 3975, G replaced by C.
Molecular consequence: splice donor variant.
Genome position (GRCh38, 1-based): chr4:78,387,702, G>C. VCF-style: chr4-78387702-G-C. GRCh37 (hg19) VCF-style: chr4-79308856-G-C.
Other names: NC_000004.11:g.79308856G>C; c.3975+1G>C (NM_001166133.2).
Identifiers: ClinVar variation 2626859 (VCV002626859.3), dbSNP rs2476965820, ClinGen allele CA357377668.

ClinVar aggregate classification (germline): Likely pathogenic (1 of 4 stars; one submission).

Conditions:
Fraser syndrome 1 (FRASRS1). Also called: CRYPTOPHTHALMOS WITH OTHER MALFORMATIONS. Identifiers: Orphanet 2052, MedGen C4551480, MONDO:0054737, OMIM 219000.

Submissions (2):

Center of Genomic medicine, Geneva, University Hospital of Geneva
Classification: Likely pathogenic for Fraser syndrome 1. Last evaluated: 2023-09-28. Review status: criteria provided, single submitter. Criteria: ACMG Guidelines, 2015. Collection method: clinical testing. Allele origin: maternal. Affected: yes. Observed: 2 variant alleles.

Dr. Peter K. Rogan Lab, Western University
No classification provided (evidence only). Condition: Ovarian serous cystadenocarcinoma. Review status: no classification provided. Collection method: in vitro. Allele origin: not applicable. Functional consequence: retained intron. Not counted in ClinVar's aggregate classification.